The following is an entry in ClinVar:

ClinVar aggregate classification (germline): Benign (1 of 4 stars; one submission).

Conditions:
MELAS syndrome (MELAS). Also called: Juvenile myopathy, encephalopathy, lactic acidosis, stroke. Identifiers: Orphanet 550, MedGen C0162671, MONDO:0010789, OMIM 540000.

Submission:

Wong Mito Lab, Molecular and Human Genetics, Baylor College of Medicine
Classification: Benign for MELAS syndrome. Last evaluated: 2019-07-12. Review status: criteria provided, single submitter. Criteria: Modified ACMG Guidelines (Unpublished). Collection method: clinical testing. Allele origin: germline.
Comment: The NC_012920.1:m.15942T>C variant in MT-TT gene is interpreted to be a Benign variant based on the modified ACMG guidelines (unpublished). This variant meets the following evidence codes reported in the guidelines: BS1, BS2, BP4

Literature cited by the submitters: PubMed 31965079.

NC_012920.1(MT-TT):m.15942T>C

Gene: MT-TT (mitochondrially encoded tRNA threonine; plus strand).
Variant type: single nucleotide variant.
Genome position: chrM-15942-T-C.
Identifiers: ClinVar variation 690253 (VCV000690253.1), dbSNP rs28535186, ClinGen allele CA337100604.